The following is an entry in ClinVar:

ClinVar aggregate classification (germline): Uncertain significance. Review status: criteria provided, multiple submitters, no conflicts (2 of 4 stars). 2 submissions from 2 submitters: Uncertain significance (2). Last evaluated 2024-06-28.

Submissions (2):

GeneDx
Classification: Uncertain significance. Last evaluated: 2024-06-28. Review status: criteria provided, single submitter. Criteria: GeneDx Variant Classification Process June 2021. Collection method: clinical testing. Allele origin: germline. Affected: yes.
Comment: Not observed at significant frequency in large population cohorts (gnomAD); In silico analysis supports that this missense variant has a deleterious effect on protein structure/function; Has not been previously published as pathogenic or benign to our knowledge

Eurofins Ntd Llc (ga)
Classification: Uncertain significance. Last evaluated: 2017-02-02. Review status: criteria provided, single submitter. Criteria: EGL Classification Definitions 2015. Collection method: clinical testing. Allele origin: germline. Observed: 1 variant allele, 1 heterozygote.

NM_022124.6(CDH23):c.2431G>A (p.Gly811Ser)

Gene: CDH23 (cadherin related 23; plus strand). Cytogenetic location: 10q22.1.
Variant type: single nucleotide variant.
Coding change: c.2431G>A on transcript NM_022124.6 (MANE Select); coding-DNA position 2431, G replaced by A.
Protein change: p.Gly811Ser; replaces glycine 811 with serine.
Molecular consequence: missense variant.
Genome position (GRCh38, 1-based): chr10:71,702,055, G>A. VCF-style: chr10-71702055-G-A. GRCh37 (hg19) VCF-style: chr10-73461812-G-A.
Other names: c.2431G>A, p.Gly811Ser (NM_001171930.2, NM_001171931.2); c.2431G>A (NM_022124.5); short protein forms G811S.
Identifiers: ClinVar variation 500136 (VCV000500136.6), dbSNP rs1554857847, ClinGen allele CA377137505.